The following is an entry in ClinVar:

ClinVar aggregate classification (germline): Uncertain significance (0 of 4 stars; one submission).

Conditions:
SEMA3D-related disorder. Also called: SEMA3D-related condition.

gnomAD v4.1: 1 of 1,610,256 alleles (0.000062%); highest among the groups gnomAD compares: Non-Finnish European, 0.000085%; no homozygotes.

Submission:

PreventionGenetics, part of Exact Sciences
Classification: Uncertain significance for SEMA3D-related condition. Last evaluated: 2024-05-14. Review status: no assertion criteria provided. Collection method: clinical testing. Allele origin: germline.
Comment: The SEMA3D c.1465A>G variant is predicted to result in the amino acid substitution p.Met489Val. To our knowledge, this variant has not been reported in the literature or in a large population database, indicating this variant is rare. At this time, the clinical significance of this variant is uncertain due to the absence of conclusive functional and genetic evidence.

NM_001384900.1(SEMA3D):c.1465A>G (p.Met489Val)

Gene: SEMA3D (semaphorin 3D; minus strand). Cytogenetic location: 7q21.11.
Variant type: single nucleotide variant.
Coding change: c.1465A>G on transcript NM_001384900.1 (MANE Select); coding-DNA position 1465, A replaced by G.
Protein change: p.Met489Val; replaces methionine 489 with valine.
Molecular consequence: missense variant.
Genome position (GRCh38, 1-based): chr7:85,020,271, T>C on the plus strand (A>G on the coding strand, the complement: SEMA3D is on the minus strand). VCF-style: chr7-85020271-T-C. GRCh37 (hg19) VCF-style: chr7-84649587-T-C.
Other names: c.1465A>G, p.Met489Val (NM_001384901.1, NM_001384902.1, NM_001384903.1 and 1 more transcripts); short protein forms M489V.
Identifiers: ClinVar variation 3354174 (VCV003354174.1).
Genomic context (GRCh38, chr7:85,020,271, plus strand): 5'-GGCACTCTGGACTGAGTCTTACCTTGAATATCTGCAACTCCTCCAGCACTACCTCTTCCA[T>C]ATTCCACTTTTCCTTTGAAATGCTGACAACTTTGAGGACAGTTCCAATGTCTGAAAAAAT-3'
Protein context (NP_001371829.1, residues 479-499): VVSISKEKWN[Met489Val]EEVVLEELQI